The following is an entry in ClinVar:

ClinVar aggregate classification (germline): Pathogenic/Likely pathogenic. Review status: criteria provided, multiple submitters, no conflicts (2 of 4 stars). 5 submissions from 5 submitters: Pathogenic (4); Likely pathogenic (1). Last evaluated 2024-05-16.

Conditions:
EYS-related disorder. Also called: EYS-related condition.
Retinal dystrophy. Also called: Inherited retinal dystrophy. Identifiers: Orphanet 71862, MedGen C0854723, MeSH D058499, MONDO:0019118, HP:0000556.
Retinitis pigmentosa (RP). Identifiers: Orphanet 791, MedGen C0035334, MeSH D012174, MONDO:0019200, OMIM 268000. Inheritance: Autosomal dominant, autosomal recessive and X linked inheritance.
Retinitis pigmentosa 25 (RP25). Identifiers: Orphanet 791, MedGen C1864446, MONDO:0011272, OMIM 602772.

Allele frequency attached by ClinVar (database versions not stated): gnomAD exomes below 0.00001.
gnomAD v4.1: 2 of 1,570,776 alleles (0.00013%); highest among the groups gnomAD compares: Non-Finnish European, 0.00017%; no homozygotes.

Submissions (5):

Labcorp Genetics (formerly Invitae), Labcorp
Classification: Pathogenic. Last evaluated: 2024-05-16. Review status: criteria provided, single submitter. Criteria: Invitae Variant Classification Sherloc (09022015). Collection method: clinical testing. Allele origin: germline.
Comment: This sequence change creates a premature translational stop signal (p.Cys244*) in the EYS gene. It is expected to result in an absent or disrupted protein product. Loss-of-function variants in EYS are known to be pathogenic (PMID: 18836446, 20333770). This variant is not present in population databases (gnomAD no frequency). This premature translational stop signal has been observed in individual(s) with retinitis pigmentosa (PMID: 32531858). ClinVar contains an entry for this variant (Variation ID: 631986). For these reasons, this variant has been classified as Pathogenic.

Blueprint Genetics
Classification: Likely pathogenic for EYS-related disorders. Last evaluated: 2023-09-15. Review status: criteria provided, single submitter. Criteria: ACMG Guidelines, 2015. Collection method: clinical testing. Allele origin: germline. Affected: yes. Observed: 2 variant alleles.

Baylor Genetics
Classification: Pathogenic for Retinitis pigmentosa 25. Last evaluated: 2023-06-13. Review status: criteria provided, single submitter. Criteria: ACMG Guidelines, 2015. Collection method: clinical testing. Allele origin: unknown.

Institute of Human Genetics, Univ. Regensburg, Univ. Regensburg
Classification: Pathogenic for Retinal dystrophy. Last evaluated: 2022-01-01. Review status: criteria provided, single submitter. Criteria: ACMG Guidelines, 2015. Collection method: clinical testing. Allele origin: germline. Affected: yes.

Molecular Genetics Laboratory, Institute for Ophthalmic Research
Classification: Pathogenic for Retinitis pigmentosa. Last evaluated: 2020-01-09. Review status: criteria provided, single submitter. Criteria: ACMG Guidelines, 2015. Collection method: research. Allele origin: germline. Affected: yes.

Literature cited by the submitters: PubMed 18836446 (cited by Labcorp Genetics (formerly Invitae), Labcorp); PubMed 20333770 (cited by Labcorp Genetics (formerly Invitae), Labcorp); PubMed 32531858 (cited by Labcorp Genetics (formerly Invitae), Labcorp and Institute of Human Genetics, Univ. Regensburg, Univ. Regensburg).

NM_001142800.2(EYS):c.732T>A (p.Cys244Ter)

Gene: EYS (EGF-like photoreceptor maintenance factor; minus strand). Cytogenetic location: 6q12.
Variant type: single nucleotide variant.
Coding change: c.732T>A on transcript NM_001142800.2 (MANE Select); coding-DNA position 732, T replaced by A.
Protein change: p.Cys244Ter; replaces cysteine 244 with a stop codon.
Molecular consequence: nonsense.
Genome position (GRCh38, 1-based): chr6:65,494,679, A>T on the plus strand (T>A on the coding strand, the complement: EYS is on the minus strand). VCF-style: chr6-65494679-A-T. GRCh37 (hg19) VCF-style: chr6-66204572-A-T.
Other names: c.732T>A, p.Cys244Ter (NM_001142801.2, NM_001292009.2, NM_198283.2); short protein forms C244*.
Identifiers: ClinVar variation 631986 (VCV000631986.14), dbSNP rs1562220891, ClinGen allele CA364789255.
Genomic context (GRCh38, chr6:65,494,679, plus strand): 5'-TGTTTCTCTATTTTAATAAAATTATATATTTTAAACAATCTTACCTGTAAATGGTGGGTG[A>T]CAGACACATTCATATGCTTGCTCATCCCAATTTTCTCTTTTATTAATGCAACTGCCATTA-3'